The following is an entry in ClinVar:

NM_153704.6(TMEM67):c.475T>C (p.Ser159Pro)

Gene: TMEM67 (transmembrane protein 67; plus strand). Cytogenetic location: 8q22.1.
Variant type: single nucleotide variant.
Coding change: c.475T>C on transcript NM_153704.6 (MANE Select); coding-DNA position 475, T replaced by C.
Protein change: p.Ser159Pro; replaces serine 159 with proline.
Molecular consequence: missense variant. On other transcripts: non-coding transcript variant (1).
Genome position (GRCh38, 1-based): chr8:93,763,910, T>C. VCF-style: chr8-93763910-T-C. GRCh37 (hg19) VCF-style: chr8-94776138-T-C.
Other names: c.232T>C, p.Ser78Pro (NM_001142301.1); short protein forms S159P, S78P.
Identifiers: ClinVar variation 998021 (VCV000998021.11), dbSNP rs775716868, ClinGen allele CA4807657.

ClinVar aggregate classification (germline): Pathogenic/Likely pathogenic. Review status: criteria provided, multiple submitters, no conflicts (2 of 4 stars). 5 submissions from 5 submitters: Pathogenic (1); Likely pathogenic (2). 2 of the submissions do not count toward it. Last evaluated 2025-09-26.

Conditions:
Joubert syndrome and related disorders. Identifiers: Orphanet 140874, MedGen C5679612, MONDO:0015369.
RHYNS syndrome. Also called: RETINITIS PIGMENTOSA SYNDROME; RETINITIS PIGMENTOSA, HYPOPITUITARISM, NEPHRONOPHTHISIS, AND MILD SKELETAL DYSPLASIA. Identifiers: Orphanet 140976, MedGen C1865794, MONDO:0011202, OMIM 602152.
Bardet-Biedl syndrome 14 (BBS14). Identifiers: Orphanet 110, MedGen C2673874, MONDO:0014442, OMIM 615991.
Nephronophthisis 11 (NPHP11). Identifiers: Orphanet 84081, MedGen C3150796, MONDO:0013302, OMIM 613550.
COACH syndrome 1. Identifiers: Orphanet 1454, MedGen C5435651, MONDO:0800103, OMIM 216360, MONDO:0008996.
Meckel syndrome, type 3 (MKS3). Also called: MECKEL-GRUBER SYNDROME, TYPE 3. Identifiers: Orphanet 564, MedGen C1846357, MONDO:0011821, OMIM 607361.
Joubert syndrome 6 (JBTS6). Identifiers: Orphanet 475, MedGen C1853153, MONDO:0012539, OMIM 610688.
Meckel-Gruber syndrome. Also called: Dysencephalia splachnocystica; DYSENCEPHALIA SPLANCHNOCYSTICA; GRUBER SYNDROME. Identifiers: Orphanet 564, MedGen C0265215, MONDO:0018921.
Joubert syndrome. Also called: Familial aplasia of the vermis; JOUBERT-BOLTSHAUSER SYNDROME. Identifiers: Orphanet 475, MedGen C5979921, MONDO:0018772.

Allele frequency attached by ClinVar (database versions not stated): gnomAD exomes 0.00001 and below 0.00001; ExAC 0.00001.
gnomAD v4.1: 6 of 1,613,694 alleles (0.00037%); highest among the groups gnomAD compares: East Asian, 0.0089%; no homozygotes.

Submissions (5):

Women's Health and Genetics/Laboratory Corporation of America, LabCorp
Classification: Likely pathogenic for Joubert syndrome and related disorders. Last evaluated: 2025-09-26. Review status: criteria provided, single submitter. Criteria: LabCorp Variant Classification Summary - May 2015. Collection method: clinical testing. Allele origin: germline.
Comment: Variant summary: TMEM67 c.475T>C (p.Ser159Pro) results in a non-conservative amino acid change in the encoded protein sequence. Algorithms developed to predict the effect of missense changes on protein structure and function all suggest that this variant is likely to be disruptive. The variant allele was found at a frequency of 4e-06 in 251316 control chromosomes. c.475T>C has been reported in individuals affected with Joubert Syndrome And Related Disorders (e.g. Suzuki_2016, Fan_2021). These data indicate that the variant may be associated with disease. To our knowledge, no experimental evidence demonstrating an impact on protein function has been reported. The following publications have been ascertained in the context of this evaluation (PMID: 34006472, 27434533). ClinVar contains an entry for this variant (Variation ID: 998021). Based on the evidence outlined above, the variant was classified as likely pathogenic.

Labcorp Genetics (formerly Invitae), Labcorp
Classification: Pathogenic for Joubert syndrome; Meckel-Gruber syndrome. Last evaluated: 2023-08-30. Review status: criteria provided, single submitter. Criteria: Invitae Variant Classification Sherloc (09022015). Collection method: clinical testing. Allele origin: germline.
Comment: This sequence change replaces serine, which is neutral and polar, with proline, which is neutral and non-polar, at codon 159 of the TMEM67 protein (p.Ser159Pro). This variant is present in population databases (rs775716868, gnomAD 0.003%). This missense change has been observed in individual(s) with clinical features of Joubert syndrome and related disorders (PMID: 27434533, 34006472). In at least one individual the data is consistent with being in trans (on the opposite chromosome) from a pathogenic variant. ClinVar contains an entry for this variant (Variation ID: 998021). Advanced modeling of protein sequence and biophysical properties (such as structural, functional, and spatial information, amino acid conservation, physicochemical variation, residue mobility, and thermodynamic stability) performed at Invitae indicates that this missense variant is expected to disrupt TMEM67 protein function. This variant disrupts the p.Ser159 amino acid residue in TMEM67. Other variant(s) that disrupt this residue have been determined to be pathogenic (Invitae). This suggests that this residue is clinically significant, and that variants that disrupt this residue are likely to be disease-causing. For these reasons, this variant has been classified as Pathogenic.

Juno Genomics, Hangzhou Juno Genomics, Inc
Classification: Likely pathogenic for RHYNS syndrome; Bardet-Biedl syndrome 14; COACH syndrome 1; Joubert syndrome 6; Meckel syndrome, type 3; Nephronophthisis 11. Review status: criteria provided, single submitter. Criteria: ACMG Guidelines, 2015. Collection method: clinical testing. Allele origin: germline. Affected: yes.
Comment: Absent from controls (or at extremely low frequency if recessive) in Genome Aggregation Database.;For recessive disorders, detected in trans with a pathogenic variant.;Patient's phenotype or family history is highly specific for a disease with a single genetic etiology.

Beijing Key Laboratory for Genetic Research of Skeletal Deformity, Peking Union Medical College Hospital
Classification: Likely pathogenic for Joubert syndrome 6. Last evaluated: 2019-05-31. Review status: no assertion criteria provided. Collection method: research. Allele origin: inherited. Affected: yes. Not counted in ClinVar's aggregate classification.

Hainan Provincial Key Laboratory for Human Reproductive Medicine and Genetic Research
Classification: Pathogenic for Joubert syndrome 6. Review status: no assertion criteria provided. Collection method: clinical testing. Allele origin: biparental. Inheritance: Autosomal recessive inheritance. Affected: yes. Not counted in ClinVar's aggregate classification.
Comment: 475 T >C; c.

Literature cited by the submitters: PubMed 27434533 (cited by Women's Health and Genetics/Laboratory Corporation of America, LabCorp and Labcorp Genetics (formerly Invitae), Labcorp); PubMed 34006472 (cited by Women's Health and Genetics/Laboratory Corporation of America, LabCorp and Labcorp Genetics (formerly Invitae), Labcorp).